The following is an entry in ClinVar:

NM_000023.4(SGCA):c.596del (p.Lys199fs)

Gene: SGCA (sarcoglycan alpha; plus strand). Cytogenetic location: 17q21.33.
Variant type: Deletion.
Coding change: c.596del on transcript NM_000023.4 (MANE Select); coding-DNA position 596, one base deleted (A; older notation c.596delA).
Protein change: p.Lys199fs; shifts the reading frame from lysine 199.
Molecular consequence: frameshift variant. On other transcripts: non-coding transcript variant (1), intron variant (1).
Genome position (GRCh38, 1-based): chr17:50,169,103, A deleted; the last of 2 consecutive A bases (chr17:50,169,102-50,169,103); deleting either gives the same sequence. VCF-style (leftmost placement, unchanged base first): chr17-50169101-TA-T. GRCh37 (hg19) VCF-style: chr17-48246462-TA-T.
Other names: c.584+531del (NM_001135697.3); short protein forms K199fs.
Identifiers: ClinVar variation 2678664 (VCV002678664.4), dbSNP rs2509123048, ClinGen allele CA2695200270.

ClinVar aggregate classification (germline): Pathogenic/Likely pathogenic. Review status: criteria provided, multiple submitters, no conflicts (2 of 4 stars). 2 submissions from 2 submitters: Pathogenic (1); Likely pathogenic (1). Last evaluated 2023-07-21.

Conditions:
Autosomal recessive limb-girdle muscular dystrophy type 2D (LGMDR3). Also called: MUSCULAR DYSTROPHY, LIMB-GIRDLE, AUTOSOMAL RECESSIVE 3; ADHALINOPATHY, PRIMARY; DUCHENNE-LIKE AUTOSOMAL RECESSIVE MUSCULAR DYSTROPHY, TYPE 2. Identifiers: Orphanet 62, MedGen C2936332, MONDO:0011968, OMIM 608099. Disease mechanism: Affects gamma-sarcoglycan and also disrupts the integrity of the entire sarcoglycan complex..

Submissions (2):

Baylor Genetics
Classification: Likely pathogenic for Autosomal recessive limb-girdle muscular dystrophy type 2D. Last evaluated: 2023-07-21. Review status: criteria provided, single submitter. Criteria: ACMG Guidelines, 2015. Collection method: clinical testing. Allele origin: unknown.

Labcorp Genetics (formerly Invitae), Labcorp
Classification: Pathogenic for Autosomal recessive limb-girdle muscular dystrophy type 2D. Last evaluated: 2023-07-03. Review status: criteria provided, single submitter. Criteria: Invitae Variant Classification Sherloc (09022015). Collection method: clinical testing. Allele origin: germline.
Comment: This sequence change creates a premature translational stop signal (p.Lys199Argfs*12) in the SGCA gene. It is expected to result in an absent or disrupted protein product. Loss-of-function variants in SGCA are known to be pathogenic (PMID: 9192266). This variant is not present in population databases (gnomAD no frequency). For these reasons, this variant has been classified as Pathogenic. This variant has not been reported in the literature in individuals affected with SGCA-related conditions.

Literature cited by the submitters: PubMed 9192266 (cited by Labcorp Genetics (formerly Invitae), Labcorp).